The following is an entry in ClinVar:

NM_000088.4(COL1A1):c.3330C>A (p.His1110Gln)

Gene: COL1A1 (collagen type I alpha 1 chain; minus strand). Cytogenetic location: 17q21.33.
Variant type: single nucleotide variant.
Coding change: c.3330C>A on transcript NM_000088.4 (MANE Select); coding-DNA position 3330, C replaced by A.
Protein change: p.His1110Gln; replaces histidine 1110 with glutamine.
Molecular consequence: missense variant.
Genome position (GRCh38, 1-based): chr17:50,187,915, G>T on the plus strand (C>A on the coding strand, the complement: COL1A1 is on the minus strand). VCF-style: chr17-50187915-G-T. GRCh37 (hg19) VCF-style: chr17-48265276-G-T.
Other names: short protein forms H1110Q.
Identifiers: ClinVar variation 2705423 (VCV002705423.3), dbSNP rs1906698829, ClinGen allele CA400199660.

ClinVar aggregate classification (germline): Uncertain significance (1 of 4 stars; one submission).

Conditions:
Osteogenesis imperfecta type I (OI1). Also called: Classic Non-deforming Osteogenesis Imperfecta with Blue Sclerae; OI, TYPE I; OSTEOGENESIS IMPERFECTA TARDA; OSTEOGENESIS IMPERFECTA WITH BLUE SCLERAE; Osteogenesis imperfecta type 1; Lobstein's Disease. Identifiers: Orphanet 216796, Orphanet 666, MedGen C0023931, MONDO:0008146, OMIM 166200. Disease mechanism: loss of function.

Submission:

Labcorp Genetics (formerly Invitae), Labcorp
Classification: Uncertain significance for Osteogenesis imperfecta type I. Last evaluated: 2025-06-11. Review status: criteria provided, single submitter. Criteria: Invitae Variant Classification Sherloc (09022015). Collection method: clinical testing. Allele origin: germline.
Comment: This sequence change replaces histidine, which is basic and polar, with glutamine, which is neutral and polar, at codon 1110 of the COL1A1 protein (p.His1110Gln). This variant is not present in population databases (gnomAD no frequency). This variant has not been reported in the literature in individuals affected with COL1A1-related conditions. ClinVar contains an entry for this variant (Variation ID: 2705423). Invitae Evidence Modeling of protein sequence and biophysical properties (such as structural, functional, and spatial information, amino acid conservation, physicochemical variation, residue mobility, and thermodynamic stability) has been performed for this missense variant. However, the output from this modeling did not meet the statistical confidence thresholds required to predict the impact of this variant on COL1A1 protein function. In summary, the available evidence is currently insufficient to determine the role of this variant in disease. Therefore, it has been classified as a Variant of Uncertain Significance.